The following is an entry in ClinVar:

ClinVar aggregate classification (germline): Benign. Review status: criteria provided, multiple submitters, no conflicts (2 of 4 stars). 3 submissions from 3 submitters: Benign (3). Last evaluated 2026-05-01.

Allele frequency attached by ClinVar (database versions not stated): 1000 Genomes Project 0.00419; 1000 Genomes Project 30x 0.00468; gnomAD exomes 0.00793; ExAC 0.00800; gnomAD 0.00818 and 0.00839; TOPMed 0.00856; ESP Exome Variant Server 0.00858.
gnomAD v4.1: 17,499 of 1,607,064 alleles (1.1%); highest among the groups gnomAD compares: Non-Finnish European, 1.3%; 114 homozygotes.

Submissions (3):

CeGaT Center for Human Genetics Tuebingen
Classification: Benign. Last evaluated: 2026-05-01. Review status: criteria provided, single submitter. Criteria: CeGaT Center For Human Genetics Tuebingen Variant Classification Criteria Version 2. Collection method: clinical testing. Allele origin: germline. Affected: yes. Observed: 8 variant alleles.
Comment: ARL6IP6: BS1, BS2

Labcorp Genetics (formerly Invitae), Labcorp
Classification: Benign. Last evaluated: 2019-12-31. Review status: criteria provided, single submitter. Criteria: Invitae Variant Classification Sherloc (09022015). Collection method: clinical testing. Allele origin: germline.

Breakthrough Genomics
Classification: Benign. Review status: criteria provided, single submitter. Criteria: ACMG Guidelines, 2015. Collection method: not provided. Allele origin: germline. Inheritance: Unknown mechanism. Affected: yes.

NM_152522.7(ARL6IP6):c.167G>T (p.Arg56Leu)

Gene: ARL6IP6 (ARF like GTPase 6 interacting protein 6; plus strand). Cytogenetic location: 2q23.3.
Variant type: single nucleotide variant.
Coding change: c.167G>T on transcript NM_152522.7 (MANE Select); coding-DNA position 167, G replaced by T.
Protein change: p.Arg56Leu; replaces arginine 56 with leucine.
Molecular consequence: missense variant. On other transcripts: non-coding transcript variant (3).
Genome position (GRCh38, 1-based): chr2:152,718,791, G>T. VCF-style: chr2-152718791-G-T. GRCh37 (hg19) VCF-style: chr2-153575305-G-T.
Other names: c.167G>T, p.Arg56Leu (NM_001371972.1); short protein forms R56L.
Identifiers: ClinVar variation 784457 (VCV000784457.28), dbSNP rs116506483, ClinGen allele CA1915143.
Genomic context (GRCh38, chr2:152,718,791, plus strand): 5'-GCTGGGGTGAAGGCGAAGTCGACGAGGAGGAGGGATGCGACCAAGTGGCCCGCGACCTGC[G>T]GGCGGAGTTCTCGGCTGGGGCGTGGTCAGAGCCCAGAAAGCGCTCGGTGCTCCCGCCGGA-3'
Protein context (NP_689735.1, residues 46-66): EGCDQVARDL[Arg56Leu]AEFSAGAWSE